The following is an entry in ClinVar:

ClinVar aggregate classification (germline): Pathogenic/Likely pathogenic. Review status: criteria provided, multiple submitters, no conflicts (2 of 4 stars). 7 submissions from 7 submitters: Pathogenic (4); Likely pathogenic (2). 1 of the submissions does not count toward it. Last evaluated 2025-12-15.

Conditions:
Polyglandular autoimmune syndrome, type 1 (APS1). Also called: HYPOADRENOCORTICISM WITH HYPOPARATHYROIDISM AND SUPERFICIAL MONILIASIS; Whitaker syndrome; Autoimmune polyendocrinopathy syndrome, type I; AUTOIMMUNE POLYENDOCRINE SYNDROME, TYPE I, WITH OR WITHOUT REVERSIBLE METAPHYSEAL DYSPLASIA; Autoimmune polyendocrinopathy syndrome , type I, with or without reversible metaphyseal dysplasia; APS I. Identifiers: Orphanet 3453, MedGen C0085859, MONDO:0009411, OMIM 240300.

Allele frequency attached by ClinVar (database versions not stated): gnomAD exomes 0.00003; TOPMed 0.00002; gnomAD 0.00003 and 0.00001; ExAC 0.00008.
gnomAD v4.1: 42 of 1,546,060 alleles (0.0027%); highest among the groups gnomAD compares: Non-Finnish European, 0.0034%; no homozygotes.

Submissions (7):

Labcorp Genetics (formerly Invitae), Labcorp
Classification: Pathogenic for Polyglandular autoimmune syndrome, type 1. Last evaluated: 2025-12-15. Review status: criteria provided, single submitter. Criteria: Invitae Variant Classification Sherloc (09022015). Collection method: clinical testing. Allele origin: germline.
Comment: This sequence change replaces leucine, which is neutral and non-polar, with proline, which is neutral and non-polar, at codon 28 of the AIRE protein (p.Leu28Pro). This variant is present in population databases (rs179363878, gnomAD 0.006%). This missense change has been observed in individual(s) with autoimmune polyendocrinopathy type 1 (APS-1) or autoimmune polyendocrinopathy–candidiasis–ectodermal dystrophy (APECED) (PMID: 9837820, 9888391, 10946904). In at least one individual the data is consistent with being in trans (on the opposite chromosome) from a pathogenic variant. ClinVar contains an entry for this variant (Variation ID: 68229). Invitae Evidence Modeling of protein sequence and biophysical properties (such as structural, functional, and spatial information, amino acid conservation, physicochemical variation, residue mobility, and thermodynamic stability) indicates that this missense variant is expected to disrupt AIRE protein function with a positive predictive value of 95%. Experimental studies have shown that this missense change affects AIRE function (PMID: 14974083, 16114041, 26084028, 29335648). For these reasons, this variant has been classified as Pathogenic.

GeneDx
Classification: Pathogenic. Last evaluated: 2025-05-13. Review status: criteria provided, single submitter. Criteria: GeneDx Variant Classification Process June 2021. Collection method: clinical testing. Allele origin: germline. Affected: yes.
Comment: In silico analysis supports that this missense variant has a deleterious effect on protein structure/function; This variant is associated with the following publications: (PMID: 11274163, 15964547, 17974569, 16114041, 24790305, 14974083, 26607109, 26084028, 10748110, 9837820, 29335648, 10946904, 35521792, 9888391, 35753512)

Natera, Inc.
Classification: Likely pathogenic for Polyglandular autoimmune syndrome type 1. Last evaluated: 2024-09-11. Review status: criteria provided, single submitter. Criteria: Natera Variant Classification Schema (03/2026). Collection method: clinical testing. Allele origin: germline.
Comment: The c.83T>C variant in AIRE is a missense variant predicted to cause substitution of leucine to proline at amino acid 28. This variant is rare in the general population with a frequency below the threshold expected for the associated phenotype(s). This variant has been observed in one or more individuals affected with the associated recessive disease, as either homozygous or compound heterozygous with a second variant (PMID: 9837820, 35521792). Functional studies show that this variant may disrupt protein function (PMID: 29335648, 27048654). Computational prediction algorithms indicate this variant is likely to affect gene or protein function. Given the available evidence, this variant is classified as Likely Pathogenic.

Fulgent Genetics
Classification: Likely pathogenic for Polyglandular autoimmune syndrome, type 1. Last evaluated: 2024-06-18. Review status: criteria provided, single submitter. Criteria: ACMG Guidelines, 2015. Collection method: clinical testing. Allele origin: germline.

National Institute of Allergy and Infectious Diseases - Centralized Sequencing Program, National Institutes of Health
Classification: Pathogenic for APECED. Last evaluated: 2023-09-14. Review status: criteria provided, single submitter. Criteria: ACMG Guidelines, 2015. Collection method: clinical testing. Allele origin: germline. Affected: yes.

AiLife Diagnostics
Classification: Pathogenic. Last evaluated: 2021-06-23. Review status: criteria provided, single submitter. Criteria: ACMG Guidelines, 2015. Collection method: clinical testing. Allele origin: germline. Affected: yes. Observed: 1 variant allele.

UniProtKB/Swiss-Prot
No classification provided. Review status: no classification provided. Collection method: not provided. Allele origin: not provided. Not counted in ClinVar's aggregate classification.

Literature cited by the submitters: PubMed 9837820 (cited by Labcorp Genetics (formerly Invitae), Labcorp and Natera, Inc.); PubMed 9888391 (cited by 3 submitters); PubMed 10946904 (cited by Labcorp Genetics (formerly Invitae), Labcorp); PubMed 14974083 (cited by Labcorp Genetics (formerly Invitae), Labcorp); PubMed 16114041 (cited by Labcorp Genetics (formerly Invitae), Labcorp and National Institute of Allergy and Infectious Diseases - Centralized Sequencing Program, National Institutes of Health); PubMed 26084028 (cited by 3 submitters); PubMed 29335648 (cited by Labcorp Genetics (formerly Invitae), Labcorp and Natera, Inc.); PubMed 35521792 (cited by Natera, Inc.); PubMed 27048654 (cited by Natera, Inc.); PubMed 35753512 (cited by National Institute of Allergy and Infectious Diseases - Centralized Sequencing Program, National Institutes of Health).

NM_000383.4(AIRE):c.83T>C (p.Leu28Pro)

Gene: AIRE (autoimmune regulator; plus strand). Cytogenetic location: 21q22.3.
Variant type: single nucleotide variant.
Coding change: c.83T>C on transcript NM_000383.4 (MANE Select); coding-DNA position 83, T replaced by C.
Protein change: p.Leu28Pro; replaces leucine 28 with proline.
Molecular consequence: missense variant.
Genome position (GRCh38, 1-based): chr21:44,286,089, T>C. VCF-style: chr21-44286089-T-C. GRCh37 (hg19) VCF-style: chr21-45705972-T-C.
Other names: c.83T>C (LRG_18t1); short protein forms L28P.
Identifiers: ClinVar variation 68229 (VCV000068229.17), dbSNP rs179363878, ClinGen allele CA219211.
Genomic context (GRCh38, chr21:44,286,089, plus strand): 5'-GCCGGCTTCTGAGGCTGCACCGCACGGAGATCGCGGTGGCCGTGGACAGCGCCTTCCCAC[T>C]GCTGCACGCGCTGGCTGACCACGACGTGGTCCCCGAGGACAAGTTTCAGGTGGGCTCCCC-3'
Protein context (NP_000374.1, residues 18-38): IAVAVDSAFP[Leu28Pro]LHALADHDVV